The following is an entry in ClinVar:

ClinVar aggregate classification (germline): Conflicting classifications of pathogenicity. Review status: criteria provided, conflicting classifications (1 of 4 stars). 6 submissions from 6 submitters: Uncertain significance (4); Likely benign (2). Last evaluated 2025-07-29.

Conditions:
Congenital myopathy with fiber type disproportion. Also called: Congenital fiber-type disproportion myopathy; Congenital fiber-type disproportion. Identifiers: Orphanet 2020, MedGen C0546264, MONDO:0009711. Inheritance: all.
Malignant hyperthermia, susceptibility to, 1 (MHS1). Also called: RYR1-Related Malignant Hyperthermia Susceptibility; Anesthesia related hyperthermia; Malignant hyperpyrexia; Fulminating hyperpyrexia; Pharmacogenic myopathy; Malignant hyperthermia suceptibility 1. Identifiers: Orphanet 423, MedGen C2930980, MONDO:0007783, OMIM 145600.
Central core myopathy (CMYO1A). Also called: CONGENITAL MYOPATHY 1A, AUTOSOMAL DOMINANT, WITH SUSCEPTIBILITY TO MALIGNANT HYPERTHERMIA; Central core disease; Myopathy, central fibrillar. Identifiers: Orphanet 597, MedGen C5830701, MONDO:0007294, OMIM 117000.
King Denborough syndrome (KDS). Identifiers: MedGen C1840365, MONDO:0020485, OMIM 619542.
Congenital multicore myopathy with external ophthalmoplegia (CMYO1B). Also called: Minicore myopathy with external ophthalmoplegia; MULTIMINICORE DISEASE WITH EXTERNAL OPHTHALMOPLEGIA; Congenital myopathy 1B, autosomal recessive; Minicore myopathy; MULTICORE MYOPATHY. Identifiers: Orphanet 598, Orphanet 98905, MedGen C1850674, MONDO:0009712, OMIM 255320, HP:0003789.
RYR1-related disorder. Also called: RYR1-related condition; RYR1-related disorders. Identifiers: MedGen CN239331.

Allele frequency attached by ClinVar (database versions not stated): gnomAD below 0.00001 and 0.00007; TOPMed 0.00001; gnomAD exomes 0.00020; ExAC 0.00021; 1000 Genomes Project 30x 0.00047; 1000 Genomes Project 0.00060.

Submissions (6):

Labcorp Genetics (formerly Invitae), Labcorp
Classification: Uncertain significance for RYR1-related disorder. Last evaluated: 2025-07-29. Review status: criteria provided, single submitter. Criteria: Invitae Variant Classification Sherloc (09022015). Collection method: clinical testing. Allele origin: germline.
Comment: This sequence change affects codon 4882 of the RYR1 mRNA. It is a 'silent' change, meaning that it does not change the encoded amino acid sequence of the RYR1 protein. This variant also falls at the last nucleotide of exon 101, which is part of the consensus splice site for this exon. This variant is present in population databases (rs536148030, gnomAD 0.1%). This variant has not been reported in the literature in individuals affected with RYR1-related conditions. ClinVar contains an entry for this variant (Variation ID: 212095). Variants that disrupt the consensus splice site are a relatively common cause of aberrant splicing (PMID: 17576681, 9536098). Algorithms developed to predict the effect of sequence changes on RNA splicing suggest that this variant may disrupt the consensus splice site. In summary, the available evidence is currently insufficient to determine the role of this variant in disease. Therefore, it has been classified as a Variant of Uncertain Significance.

All of Us Research Program, National Institutes of Health
Classification: Likely benign for Malignant hyperthermia, susceptibility to, 1. Last evaluated: 2023-12-13. Review status: criteria provided, single submitter. Criteria: ACMG Guidelines, 2015. Collection method: clinical testing. Allele origin: germline. Inheritance: Autosomal dominant inheritance. Observed: 11 variant alleles, 11 heterozygotes.
Comment: This study involves interpretation of variants in research participants for the purpose of population health screening. Participant phenotype was not available at the time of variant classification. Additional details can be found in publication PMID: 35346344, PMCID: PMC8962531

Blueprint Genetics
Classification: Uncertain significance. Last evaluated: 2023-06-19. Review status: criteria provided, single submitter. Criteria: ACMG Guidelines, 2015. Collection method: clinical testing. Allele origin: germline.

Color Diagnostics, LLC DBA Color Health
Classification: Likely benign for Malignant hyperthermia, susceptibility to, 1. Last evaluated: 2022-11-06. Review status: criteria provided, single submitter. Criteria: ACMG Guidelines, 2015. Collection method: clinical testing. Allele origin: germline.

Fulgent Genetics
Classification: Uncertain significance for Central core myopathy; Malignant hyperthermia, susceptibility to, 1; Congenital myopathy 4A, autosomal dominant; Congenital multicore myopathy with external ophthalmoplegia; King Denborough syndrome. Last evaluated: 2022-04-06. Review status: criteria provided, single submitter. Criteria: ACMG Guidelines, 2015. Collection method: clinical testing. Allele origin: unknown.

Genetic Services Laboratory, University of Chicago
Classification: Uncertain significance. Last evaluated: 2014-11-03. Review status: criteria provided, single submitter. Criteria: ACMG Guidelines, 2015. Collection method: clinical testing. Allele origin: germline.

Literature cited by the submitters: PubMed 17576681 (cited by Labcorp Genetics (formerly Invitae), Labcorp); PubMed 9536098 (cited by Labcorp Genetics (formerly Invitae), Labcorp).

NM_000540.3(RYR1):c.14646G>A (p.Thr4882=)

Gene: RYR1 (ryanodine receptor 1; plus strand). Cytogenetic location: 19q13.2.
Variant type: single nucleotide variant.
Coding change: c.14646G>A on transcript NM_000540.3 (MANE Select); coding-DNA position 14646, G replaced by A.
Protein change: p.Thr4882=; no amino-acid change (threonine 4882 retained).
Molecular consequence: synonymous variant.
Genome position (GRCh38, 1-based): chr19:38,580,504, G>A. VCF-style: chr19-38580504-G-A. GRCh37 (hg19) VCF-style: chr19-39071144-G-A.
Other names: c.14631G>A, p.Thr4877= (NM_001042723.2).
Identifiers: ClinVar variation 212095 (VCV000212095.15), dbSNP rs536148030, ClinGen allele CA061474.